The following is an entry in ClinVar:

ClinVar aggregate classification (germline): Conflicting classifications of pathogenicity. Review status: criteria provided, conflicting classifications (1 of 4 stars). 2 submissions from 2 submitters: Pathogenic (1); Uncertain significance (1). Last evaluated 2025-08-11.

Conditions:
Hereditary cancer-predisposing syndrome. Also called: Neoplastic Syndromes, Hereditary; Tumor predisposition; Hereditary Cancer Syndrome; Hereditary neoplastic syndrome. Identifiers: Orphanet 140162, MedGen C0027672, MeSH D009386, MONDO:0015356.

Submissions (2):

Labcorp Genetics (formerly Invitae), Labcorp
Classification: Pathogenic. Last evaluated: 2025-08-11. Review status: criteria provided, single submitter. Criteria: Invitae Variant Classification Sherloc (09022015). Collection method: clinical testing. Allele origin: germline.
Comment: This sequence change creates a premature translational stop signal (p.Asn1396Lysfs*55) in the POLE gene. It is expected to result in an absent or disrupted protein product. Loss-of-function variants in POLE are known to be pathogenic (PMID: 23230001, 25948378, 30503519). This variant is not present in population databases (gnomAD no frequency). This variant has not been reported in the literature in individuals affected with POLE-related conditions. ClinVar contains an entry for this variant (Variation ID: 2797077). For these reasons, this variant has been classified as Pathogenic.

Ambry Genetics
Classification: Uncertain significance for Hereditary cancer-predisposing syndrome. Last evaluated: 2025-07-24. Review status: criteria provided, single submitter. Criteria: Ambry Variant Classification Scheme 2023. Collection method: clinical testing. Allele origin: germline.
Comment: The c.4188_4195delTCTCTATGinsA variant, located in coding exon 33 of the POLE gene, results from the deletion of 8 nucleotides and insertion of one nucleotide causing a translational frameshift with a predicted alternate stop codon (p.N1396Kfs*55). This alteration is expected to result in loss of function by premature protein truncation or nonsense-mediated mRNA decay. Although biallelic loss of function of POLE has been associated with autosomal recessive POLE deficiency, haploinsufficiency of POLE has not been established as a mechanism of disease for POLE-related polymerase proofreading-associated polyposis (PPAP) and POLE-related CMMRD-like syndrome. Based on the supporting evidence, this variant is expected to be causative of POLE deficiency when present along with a second pathogenic variant on the other allele; however, its clinical significance for PPAP and POLE-related CMMRD-like syndrome is unclear.

Literature cited by the submitters: PubMed 23230001 (cited by Labcorp Genetics (formerly Invitae), Labcorp); PubMed 25948378 (cited by Labcorp Genetics (formerly Invitae), Labcorp); PubMed 30503519 (cited by Labcorp Genetics (formerly Invitae), Labcorp).

NM_006231.4(POLE):c.4188_4195delinsA (p.Asn1396fs)

Gene: POLE (DNA polymerase epsilon, catalytic subunit; minus strand). Cytogenetic location: 12q24.33.
Variant type: Indel.
Coding change: c.4188_4195delinsA on transcript NM_006231.4 (MANE Select); coding-DNA positions 4188 to 4195, TCTCTATG replaced by A.
Protein change: p.Asn1396fs; shifts the reading frame from asparagine 1396.
Molecular consequence: frameshift variant.
Genome position (GRCh38, 1-based): chr12:132,643,932-132,643,939, CATAGAGA replaced by T on the plus strand (TCTCTATG replaced by A on the coding strand, the reverse complement: POLE is on the minus strand). VCF-style: chr12-132643932-CATAGAGA-T. GRCh37 (hg19) VCF-style: chr12-133220518-CATAGAGA-T.
Other names: c.4188_4195delTCTCTATGinsA (NM_006231.2, NM_006231.3); short protein forms N1396fs.
Identifiers: ClinVar variation 473652 (VCV000473652.4), dbSNP rs1555223097, ClinGen allele CA658658181.
Genomic context (GRCh38, chr12:132,643,932, plus strand): 5'-ACAGCTCAGCGTTGATCTCGTTGATGTGTTCCTGGTACATGTCCTCTGGCACTGAATACT[CATAGAGA>T]TTGTAGACCATGTTGGAGCGAGGAAGGACCCGATTTACCTGGCGAGAATACGACGATGAT-3'